The following is an entry in ClinVar:

ClinVar aggregate classification (germline): Benign/Likely benign. Review status: criteria provided, multiple submitters, no conflicts (2 of 4 stars). 7 submissions from 7 submitters: Benign (3); Likely benign (3). 1 of the submissions does not count toward it. Last evaluated 2026-02-04.

Conditions:
Charcot-Marie-Tooth disease axonal type 2V. Also called: CHARCOT-MARIE-TOOTH NEUROPATHY, TYPE 2V; CHARCOT-MARIE-TOOTH DISEASE, AXONAL, AUTOSOMAL DOMINANT, TYPE 2V. Identifiers: Orphanet 447964, MedGen C5569050, MONDO:0014665, OMIM 616491.
Mucopolysaccharidosis, MPS-III-B (MPS3B). Also called: MUCOPOLYSACCHARIDOSIS, TYPE IIIB; N-ACETYL-ALPHA-D-GLUCOSAMINIDASE DEFICIENCY; NAGLU DEFICIENCY; SANFILIPPO SYNDROME B; MPS III B; MPS IIIB (Sanfilippo Syndrome Type B). Identifiers: Orphanet 79270, MedGen C0086648, MONDO:0009656, OMIM 252920.

Allele frequency attached by ClinVar (database versions not stated): 1000 Genomes Project 0.00140; 1000 Genomes Project 30x 0.00172; TOPMed 0.00432; gnomAD 0.00455 and 0.00463; ESP Exome Variant Server 0.00523.
gnomAD v4.1: 9,688 of 1,608,708 alleles (0.6%); highest among the groups gnomAD compares: Middle Eastern, 1.8%; 36 homozygotes.

Submissions (7):

Labcorp Genetics (formerly Invitae), Labcorp
Classification: Benign for Charcot-Marie-Tooth disease axonal type 2V; Mucopolysaccharidosis, MPS-III-B. Last evaluated: 2026-02-04. Review status: criteria provided, single submitter. Criteria: Invitae Variant Classification Sherloc (09022015). Collection method: clinical testing. Allele origin: germline.

CeGaT Center for Human Genetics Tuebingen
Classification: Likely benign. Last evaluated: 2025-03-01. Review status: criteria provided, single submitter. Criteria: CeGaT Center For Human Genetics Tuebingen Variant Classification Criteria Version 2. Collection method: clinical testing. Allele origin: germline. Affected: yes. Observed: 17 variant alleles.
Comment: NAGLU: BP4, BP7, BS2

Mayo Clinic Laboratories, Mayo Clinic
Classification: Benign. Last evaluated: 2022-11-02. Review status: criteria provided, single submitter. Criteria: ACMG Guidelines, 2015. Collection method: clinical testing. Allele origin: germline. Observed: 25 variant alleles.
Comment: BS1, BS2, BP4, BP7

Illumina Laboratory Services, Illumina
Classification: Likely benign for Mucopolysaccharidosis, MPS-III-B. Last evaluated: 2017-04-27. Review status: criteria provided, single submitter. Criteria: ICSL Variant Classification Criteria 13 December 2019. Collection method: clinical testing. Allele origin: germline.
Comment: This variant was observed as part of a predisposition screen in an ostensibly healthy population. A literature search was performed for the gene, cDNA change, and amino acid change (where applicable). Publications were found based on this search. The evidence from the literature, in combination with allele frequency data from public databases where available, was sufficient to determine this variant is unlikely to cause disease. Therefore, this variant is classified as likely benign.

Eurofins Ntd Llc (ga)
Classification: Benign. Last evaluated: 2016-02-19. Review status: criteria provided, single submitter. Criteria: EGL Classification Definitions 2015. Collection method: clinical testing. Allele origin: germline. Observed: 3 variant alleles, 3 heterozygotes.

Breakthrough Genomics
Classification: Likely benign. Review status: criteria provided, single submitter. Criteria: ACMG Guidelines, 2015. Collection method: not provided. Allele origin: germline. Inheritance: Autosomal recessive inheritance. Affected: yes.

Natera, Inc.
Classification: Benign for Mucopolysaccharidosis type IIIB. Last evaluated: 2020-09-16. Review status: no assertion criteria provided. Collection method: clinical testing. Allele origin: germline. Not counted in ClinVar's aggregate classification.

Literature cited by the submitters: PubMed 14984474 (cited by Mayo Clinic Laboratories, Mayo Clinic and Illumina Laboratory Services, Illumina); PubMed 16151907 (cited by Mayo Clinic Laboratories, Mayo Clinic and Illumina Laboratory Services, Illumina).

NM_000263.4(NAGLU):c.1788C>T (p.Gly596=)

Gene: NAGLU (N-acetyl-alpha-glucosaminidase; plus strand). Cytogenetic location: 17q21.2.
Variant type: single nucleotide variant.
Coding change: c.1788C>T on transcript NM_000263.4 (MANE Select); coding-DNA position 1788, C replaced by T.
Protein change: p.Gly596=; no amino-acid change (glycine 596 retained).
Molecular consequence: synonymous variant.
Genome position (GRCh38, 1-based): chr17:42,543,794, C>T. VCF-style: chr17-42543794-C-T. GRCh37 (hg19) VCF-style: chr17-40695812-C-T.
Other names: p.Gly596=.
Identifiers: ClinVar variation 281006 (VCV000281006.56), dbSNP rs115166595, ClinGen allele CA8577092.